The following is an entry in ClinVar:

NM_003361.4(UMOD):c.434G>T (p.Gly145Val)

Gene: UMOD (uromodulin; minus strand). Cytogenetic location: 16p12.3.
Variant type: single nucleotide variant.
Coding change: c.434G>T on transcript NM_003361.4 (MANE Select); coding-DNA position 434, G replaced by T.
Protein change: p.Gly145Val; replaces glycine 145 with valine.
Molecular consequence: missense variant. On other transcripts: non-coding transcript variant (1).
Genome position (GRCh38, 1-based): chr16:20,348,867, C>A on the plus strand (G>T on the coding strand, the complement: UMOD is on the minus strand). VCF-style: chr16-20348867-C-A. GRCh37 (hg19) VCF-style: chr16-20360189-C-A.
Other names: c.434G>T, p.Gly145Val (NM_001008389.3, NM_001378232.1, NM_001378233.1 and 3 more transcripts); c.533G>T, p.Gly178Val (NM_001278614.2); short protein forms G145V, G178V.
Identifiers: ClinVar variation 1718480 (VCV001718480.5), dbSNP rs2507389091, ClinGen allele CA394985983.
Genomic context (GRCh38, chr16:20,348,867, plus strand): 5'-CCCTCGGGCACGCAGTCCAACCCCGGCCCGCAGGAGCCCGGGGAGCACTCACAGTGCCAT[C>A]CATCCCCCCGGTAGCCCGCGGGGCATACGCACAAGTAGCTGCCCACCACATTGACACATG-3'
Protein context (NP_003352.2, residues 135-155): CVCPAGYRGD[Gly145Val]WHCECSPGSC

ClinVar aggregate classification (germline): Uncertain significance (1 of 4 stars; one submission).

Submission:

Labcorp Genetics (formerly Invitae), Labcorp
Classification: Uncertain significance. Last evaluated: 2025-02-27. Review status: criteria provided, single submitter. Criteria: Invitae Variant Classification Sherloc (09022015). Collection method: clinical testing. Allele origin: germline.
Comment: This sequence change replaces glycine, which is neutral and non-polar, with valine, which is neutral and non-polar, at codon 145 of the UMOD protein (p.Gly145Val). This variant is not present in population databases (gnomAD no frequency). This variant has not been reported in the literature in individuals affected with UMOD-related conditions. ClinVar contains an entry for this variant (Variation ID: 1718480). Invitae Evidence Modeling of protein sequence and biophysical properties (such as structural, functional, and spatial information, amino acid conservation, physicochemical variation, residue mobility, and thermodynamic stability) indicates that this missense variant is not expected to disrupt UMOD protein function with a negative predictive value of 80%. In summary, the available evidence is currently insufficient to determine the role of this variant in disease. Therefore, it has been classified as a Variant of Uncertain Significance.